The following is an entry in ClinVar:

NM_006005.3(WFS1):c.2293del (p.Cys765fs)

Gene: WFS1 (wolframin ER transmembrane glycoprotein; plus strand). Cytogenetic location: 4p16.1.
Variant type: Deletion.
Coding change: c.2293del on transcript NM_006005.3 (MANE Select); coding-DNA position 2293, one base deleted (T; older notation c.2293delT).
Protein change: p.Cys765fs; shifts the reading frame from cysteine 765.
Molecular consequence: frameshift variant.
Genome position (GRCh38, 1-based): chr4:6,302,088, T deleted. VCF-style (leftmost placement, unchanged base first): chr4-6302087-CT-C. GRCh37 (hg19) VCF-style: chr4-6303814-CT-C.
Other names: c.2293del, p.Cys765fs (NM_001145853.1); c.2293delT (NM_006005.3); short protein forms C765fs.
Identifiers: ClinVar variation 1179192 (VCV001179192.5), dbSNP rs1381011685, ClinGen allele CA549707919.

ClinVar aggregate classification (germline): Pathogenic/Likely pathogenic. Review status: criteria provided, multiple submitters, no conflicts (2 of 4 stars). 2 submissions from 2 submitters: Pathogenic (1); Likely pathogenic (1). Last evaluated 2025-10-15.

Conditions:
Wolfram syndrome 1 (WFS1). Identifiers: Orphanet 3463, MedGen C4551693, MONDO:0009101, OMIM 222300.
Autosomal dominant nonsyndromic hearing loss 6 (LFSNHL). Also called: DEAFNESS, AUTOSOMAL DOMINANT 6; DEAFNESS, AUTOSOMAL DOMINANT 14; DEAFNESS, AUTOSOMAL DOMINANT 38; Autosomal dominant nonsyndromic deafness 6. Identifiers: Orphanet 90635, MedGen C1833021, MONDO:0010963, OMIM 600965.
Type 2 diabetes mellitus. Also called: Type II diabetes mellitus. Identifiers: MedGen C0011860, MeSH D003924, MONDO:0005148, OMIM 125853, HP:0005978.
Wolfram-like syndrome. Also called: HEARING LOSS, PROGRESSIVE, WITH OPTIC ATROPHY AND/OR IMPAIRED GLUCOSE REGULATION. Identifiers: Orphanet 411590, MedGen C3280358, MONDO:0013673, OMIM 614296.
Cataract 41 (CTRCT41). Also called: CATARACT 41, CONGENITAL NUCLEAR TYPE. Identifiers: Orphanet 91492, Orphanet 98991, Orphanet 98992, Orphanet 98995, MedGen C3805412, MONDO:0007287, OMIM 116400.

Allele frequency attached by ClinVar (database versions not stated): gnomAD exomes below 0.00001; gnomAD 0.00003 and 0.00004; TOPMed 0.00004.

Submissions (2):

Women's Health and Genetics/Laboratory Corporation of America, LabCorp
Classification: Pathogenic for Wolfram syndrome 1. Last evaluated: 2025-10-15. Review status: criteria provided, single submitter. Criteria: LabCorp Variant Classification Summary - May 2015. Collection method: clinical testing. Allele origin: germline.
Comment: Variant summary: WFS1 c.2293delT (p.Cys765AlafsX97) results in a premature termination codon, predicted to cause a truncation of the encoded protein or absence of the protein due to nonsense mediated decay, which are commonly known mechanisms for disease. The variant was absent in 246260 control chromosomes. To our knowledge, no occurrence of c.2293delT in individuals affected with WFS1-related conditions and no experimental evidence demonstrating its impact on protein function have been reported. ClinVar contains an entry for this variant (Variation ID: 1179192). Based on the evidence outlined above, the variant was classified as pathogenic.

Fulgent Genetics
Classification: Likely pathogenic for Cataract 41; Type 2 diabetes mellitus; Wolfram syndrome 1; Autosomal dominant nonsyndromic hearing loss 6; Wolfram-like syndrome. Last evaluated: 2024-01-22. Review status: criteria provided, single submitter. Criteria: ACMG Guidelines, 2015. Collection method: clinical testing. Allele origin: germline.